The following is an entry in ClinVar:

NM_031935.3(HMCN1):c.9929T>C (p.Leu3310Pro)

Gene: HMCN1 (hemicentin 1; plus strand). Cytogenetic location: 1q31.1.
Variant type: single nucleotide variant.
Coding change: c.9929T>C on transcript NM_031935.3 (MANE Select); coding-DNA position 9929, T replaced by C.
Protein change: p.Leu3310Pro; replaces leucine 3310 with proline.
Molecular consequence: missense variant.
Genome position (GRCh38, 1-based): chr1:186,093,175, T>C. VCF-style: chr1-186093175-T-C. GRCh37 (hg19) VCF-style: chr1-186062307-T-C.
Other names: short protein forms L3310P.
Identifiers: ClinVar variation 294217 (VCV000294217.12), dbSNP rs148265876, ClinGen allele CA1293592.
Genomic context (GRCh38, chr1:186,093,175, plus strand): 5'-GTTATGATCTTTTCCGTAGAGTGAGTGCAAATGGCAGCACATTAAACATTTATGGAGCTC[T>C]TACATCTGACACGGGGAAATACACATGTGTTGCTACTAATCCCGCTGGAGAAGAAGACCG-3'
Protein context (NP_114141.2, residues 3300-3320): NGSTLNIYGA[Leu3310Pro]TSDTGKYTCV

ClinVar aggregate classification (germline): Uncertain significance. Review status: criteria provided, multiple submitters, no conflicts (2 of 4 stars). 4 submissions from 4 submitters: Uncertain significance (4). Last evaluated 2025-12-23.

Conditions:
Age related macular degeneration 1 (ARMD1). Also called: MACULOPATHY, AGE-RELATED, 1. Identifiers: MedGen C1864205, MONDO:0011285, OMIM 603075.

Allele frequency attached by ClinVar (database versions not stated): ExAC 0.00023; gnomAD exomes 0.00026 and 0.00034; TOPMed 0.00031; gnomAD 0.00036 and 0.00037; ESP Exome Variant Server 0.00062.
gnomAD v4.1: 557 of 1,613,218 alleles (0.035%); highest among the groups gnomAD compares: Non-Finnish European, 0.043%; 1 homozygote.

Submissions (4):

Labcorp Genetics (formerly Invitae), Labcorp
Classification: Uncertain significance. Last evaluated: 2025-12-23. Review status: criteria provided, single submitter. Criteria: Invitae Variant Classification Sherloc (09022015). Collection method: clinical testing. Allele origin: germline.
Comment: This sequence change replaces leucine, which is neutral and non-polar, with proline, which is neutral and non-polar, at codon 3310 of the HMCN1 protein (p.Leu3310Pro). This variant is present in population databases (rs148265876, gnomAD 0.05%). This variant has not been reported in the literature in individuals affected with HMCN1-related conditions. ClinVar contains an entry for this variant (Variation ID: 294217). An algorithm developed to predict the effect of missense changes on protein structure and function (PolyPhen-2) suggests that this variant is likely to be disruptive. In summary, the available evidence is currently insufficient to determine the role of this variant in disease. Therefore, it has been classified as a Variant of Uncertain Significance.

Genome-Nilou Lab
Classification: Uncertain significance for Age related macular degeneration 1. Last evaluated: 2023-04-11. Review status: criteria provided, single submitter. Criteria: ACMG Guidelines, 2015. Collection method: clinical testing. Allele origin: germline. Affected: no.

Ambry Genetics
Classification: Uncertain significance. Last evaluated: 2021-09-16. Review status: criteria provided, single submitter. Criteria: Ambry Variant Classification Scheme 2023. Collection method: clinical testing. Allele origin: germline.

Illumina Laboratory Services, Illumina
Classification: Uncertain significance for Age related macular degeneration 1. Last evaluated: 2018-01-12. Review status: criteria provided, single submitter. Criteria: ICSL Variant Classification Criteria 13 December 2019. Collection method: clinical testing. Allele origin: germline.